The following is an entry in ClinVar:

ClinVar aggregate classification (germline): Benign (1 of 4 stars; one submission).

Conditions:
Xeroderma pigmentosum variant type. Also called: POLH-Related Xeroderma Pigmentosum; PHOTOSENSITIVITY WITH DEFECTIVE DNA SYNTHESIS; XERODERMA PIGMENTOSUM WITH NORMAL DNA REPAIR RATES. Identifiers: Orphanet 90342, MedGen C1848410, MONDO:0010214, OMIM 278750.

Allele frequency attached by ClinVar (database versions not stated): gnomAD 0.19068 and 0.19853; TOPMed 0.20586; 1000 Genomes Project 0.20727; 1000 Genomes Project 30x 0.21658.
gnomAD v4.1: 28,453 of 150,330 alleles (19%); highest among the groups gnomAD compares: African/African-American, 51%; 5,712 homozygotes.

Submission:

Illumina Laboratory Services, Illumina
Classification: Benign for Xeroderma pigmentosum variant type. Last evaluated: 2018-01-12. Review status: criteria provided, single submitter. Criteria: ICSL Variant Classification Criteria 13 December 2019. Collection method: clinical testing. Allele origin: germline.
Comment: This variant was observed in the ICSL laboratory as part of a predisposition screen in an ostensibly healthy population. It had not been previously curated by ICSL or reported in the Human Gene Mutation Database (HGMD: prior to June 1st, 2018), and was therefore a candidate for classification through an automated scoring system. Utilizing variant allele frequency, disease prevalence and penetrance estimates, and inheritance mode, an automated score was calculated to assess if this variant is too frequent to cause the disease. Based on the score and internal cut-off values, a variant classified as benign is not then subjected to further curation. The score for this variant resulted in a classification of benign for this disease.

NM_006502.3(POLH):c.*1858A>G

Gene: POLH (DNA polymerase eta; plus strand). Cytogenetic location: 6p21.1.
Variant type: single nucleotide variant.
Coding change: c.*1858A>G on transcript NM_006502.3 (MANE Select); 1858 bases downstream of the stop codon, A replaced by G.
Molecular consequence: 3 prime UTR variant.
Genome position (GRCh38, 1-based): chr6:43,616,415, A>G. VCF-style: chr6-43616415-A-G. GRCh37 (hg19) VCF-style: chr6-43584152-A-G.
Other names: c.*1858A>G (NM_001291969.2); c.*2684A>G (NM_001291970.2).
Identifiers: ClinVar variation 356952 (VCV000356952.7), dbSNP rs9472090, ClinGen allele CA10626808.
Genomic context (GRCh38, chr6:43,616,415, plus strand): 5'-AGGCTGAGGTGAGTGGATTGCAGGAGCTCAGGAGTTCGAGACCAGCCTGGGCAAGGTGGC[A>G]AAACCCCGTCTCTACTAAAAAAAATTAGCTGGGCTTGGTGGCAGGCGCCTGTAATCCCAG-3'